The following is an entry in ClinVar:

NM_007194.4(CHEK2):c.1046dup (p.Pro350fs)

Gene: CHEK2 (checkpoint kinase 2; minus strand). Cytogenetic location: 22q12.1.
Variant type: Duplication.
Coding change: c.1046dup on transcript NM_007194.4 (MANE Select); coding-DNA position 1046, one base duplicated (A; older notation c.1046dupA).
Protein change: p.Pro350fs; shifts the reading frame from proline 350.
Molecular consequence: frameshift variant. On other transcripts: intron variant (3).
Genome position (GRCh38, 1-based): chr22:28,696,950, T duplicated on the plus strand (A on the coding strand, the reverse complement: CHEK2 is on the minus strand); the first of 3 consecutive T bases (chr22:28,696,950-28,696,952); duplicating any one gives the same sequence. VCF-style (leftmost placement, unchanged base first): chr22-28696949-C-CT. GRCh37 (hg19) VCF-style: chr22-29092937-C-CT.
Other names: c.1175dup, p.Pro393fs (NM_001005735.3); c.383dup, p.Pro129fs (NM_001257387.3, NM_001437942.1); c.845dup, p.Pro283fs (NM_001349956.3); c.1139dup, p.Pro381fs (NM_001438293.1); c.1009-1077dup (NM_145862.3); c.1102-1077dup (NM_001438295.1); c.1138-1077dup (NM_001438294.1); short protein forms P350fs, P283fs, P393fs, P129fs, P381fs.
Identifiers: ClinVar variation 1449368 (VCV001449368.8), dbSNP rs2145817185, ClinGen allele CA2573158001.

ClinVar aggregate classification (germline): Pathogenic/Likely pathogenic. Review status: criteria provided, multiple submitters, no conflicts (2 of 4 stars). 2 submissions from 2 submitters: Pathogenic (1); Likely pathogenic (1). Last evaluated 2021-09-24.

Conditions:
Familial cancer of breast. Also called: BREAST CANCER, FAMILIAL; Hereditary breast cancer; hereditary breast carcinoma. Identifiers: Orphanet 227535, MedGen C0346153, MONDO:0016419, OMIM 114480. Disease mechanism: loss of function.

Submissions (2):

Baylor Genetics
Classification: Likely pathogenic for Familial cancer of breast. Last evaluated: 2021-09-24. Review status: criteria provided, single submitter. Criteria: ACMG Guidelines, 2015. Collection method: clinical testing. Allele origin: unknown.

Labcorp Genetics (formerly Invitae), Labcorp
Classification: Pathogenic for Familial cancer of breast. Last evaluated: 2021-02-18. Review status: criteria provided, single submitter. Criteria: Invitae Variant Classification Sherloc (09022015). Collection method: clinical testing. Allele origin: germline.
Comment: This variant has not been reported in the literature in individuals with CHEK2-related conditions. For these reasons, this variant has been classified as Pathogenic. This variant is not present in population databases (ExAC no frequency). This sequence change creates a premature translational stop signal (p.Pro350Alafs*19) in the CHEK2 gene. It is expected to result in an absent or disrupted protein product. Loss-of-function variants in CHEK2 are known to be pathogenic (PMID: 21876083, 24713400).

Literature cited by the submitters: PubMed 21876083 (cited by Labcorp Genetics (formerly Invitae), Labcorp); PubMed 24713400 (cited by Labcorp Genetics (formerly Invitae), Labcorp).